The following is an entry in ClinVar:

ClinVar aggregate classification (germline): Uncertain significance. Review status: criteria provided, multiple submitters, no conflicts (2 of 4 stars). 3 submissions from 3 submitters: Uncertain significance (3). Last evaluated 2026-09-08.

Conditions:
Fabry disease. Also called: Fabry's disease; Angiokeratoma corporis diffusum; CERAMIDE TRIHEXOSIDASE DEFICIENCY; GLA DEFICIENCY; HEREDITARY DYSTOPIC LIPIDOSIS; ALPHA-GALACTOSIDASE A DEFICIENCY. Identifiers: Orphanet 324, MedGen C0002986, MONDO:0010526, OMIM 301500, HP:0001071. Disease mechanism: loss of function, Fabry disease is due to inactivating mutations in the X-linked GLA gene resulting in deficiency of the enzyme Alpha Galactosidase-A..

Allele frequency attached by ClinVar (database versions not stated): gnomAD exomes below 0.00001; TOPMed below 0.00001.
gnomAD v4.1: 1 of 1,206,435 alleles (0.000083%); highest among the groups gnomAD compares: East Asian, 0.003%; no homozygotes.

Submissions (3):

Genomenon, Inc
Classification: Uncertain significance for Fabry disease. Last evaluated: 2026-09-08. Review status: criteria provided, single submitter. Criteria: Genomenon Sequence Variant Interpretation Standards - Updated. Collection method: curation. Allele origin: germline. Affected: yes.
Comment: GLA p.Ser304Thr (c.911G>C) is a missense variant that changes the amino acid at codon 304 from Serine to Threonine. This variant has been observed in at least one proband with clinical features consistent with Fabry disease (PMID:28615118). Functional or patient cell studies have been reported (PMID:31036492;28615118;27657681). It is absent or not present at a significant frequency in gnomAD. In conclusion, we classify GLA p.Ser304Thr (c.911G>C) as a variant of uncertain significance.

Labcorp Genetics (formerly Invitae), Labcorp
Classification: Uncertain significance for Fabry disease. Last evaluated: 2024-07-03. Review status: criteria provided, single submitter. Criteria: Invitae Variant Classification Sherloc (09022015). Collection method: clinical testing. Allele origin: germline.
Comment: This sequence change replaces serine, which is neutral and polar, with threonine, which is neutral and polar, at codon 304 of the GLA protein (p.Ser304Thr). This variant is not present in population databases (gnomAD no frequency). This missense change has been observed in individual(s) with a positive newborn screening result for GLA-related disease (PMID: 28615118). ClinVar contains an entry for this variant (Variation ID: 925874). Advanced modeling of protein sequence and biophysical properties (such as structural, functional, and spatial information, amino acid conservation, physicochemical variation, residue mobility, and thermodynamic stability) performed at Invitae indicates that this missense variant is not expected to disrupt GLA protein function with a negative predictive value of 80%. Experimental studies are conflicting or provide insufficient evidence to determine the effect of this variant on GLA function (PMID: 28615118). In summary, the available evidence is currently insufficient to determine the role of this variant in disease. Therefore, it has been classified as a Variant of Uncertain Significance.

Color Diagnostics, LLC DBA Color Health
Classification: Uncertain significance for Fabry disease. Last evaluated: 2024-04-10. Review status: criteria provided, single submitter. Criteria: ACMG Guidelines, 2015. Collection method: clinical testing. Allele origin: germline.
Comment: This missense variant replaces serine with threonine at codon 304 of the GLA protein. Computational prediction tools indicate that this variant has a neutral impact on protein structure and function. Multiple in vitro functional studies have shown this variant does not significantly change the GLA enzyme activity (PMID: 28615118, 31036492). This variant has also been reported in three newborns, all without significant clinical symptoms and without elevated plasma metabolite lyso-Gb3 level (PMID: 28615118). This variant has not been identified in the general population by the Genome Aggregation Database (gnomAD). The available evidence is insufficient to determine the role of this variant in disease conclusively. Therefore, this variant is classified as a Variant of Uncertain Significance.

Literature cited by the submitters: PubMed 28615118 (cited by 3 submitters); PubMed 31036492 (cited by Genomenon, Inc and Color Diagnostics, LLC DBA Color Health); PubMed 27657681 (cited by Genomenon, Inc); PubMed 24613481 (cited by Color Diagnostics, LLC DBA Color Health).

NM_000169.3(GLA):c.911G>C (p.Ser304Thr)

Genes: RPL36A-HNRNPH2 (RPL36A-HNRNPH2 readthrough; plus strand), GLA (galactosidase alpha; minus strand). Cytogenetic location: Xq22.1.
Variant type: single nucleotide variant.
Coding change: c.911G>C on transcript NM_000169.3 (MANE Select); coding-DNA position 911, G replaced by C.
Protein change: p.Ser304Thr; replaces serine 304 with threonine.
Molecular consequence: missense variant. On other transcripts: non-coding transcript variant (3), intron variant (2).
Genome position (GRCh38, 1-based): chrX:101,398,458, C>G on the plus strand (G>C on the coding strand, the complement: GLA is on the minus strand). VCF-style: chrX-101398458-C-G. GRCh37 (hg19) VCF-style: chrX-100653446-C-G.
Other names: c.1034G>C, p.Ser345Thr (NM_001406747.1); c.911G>C, p.Ser304Thr (NM_001406748.1); c.300+3001C>G (NM_001199973.2); c.177+6636C>G (NM_001199974.2); short protein forms S304T, S345T.
Identifiers: ClinVar variation 925874 (VCV000925874.8), dbSNP rs1269629205, ClinGen allele CA413922172.